The following is an entry in ClinVar:

ClinVar aggregate classification (germline): Pathogenic (1 of 4 stars; one submission).

Conditions:
Periventricular nodular heterotopia 9. Identifiers: MedGen C5394503, MONDO:0030061, OMIM 618918.

Submission:

Victorian Clinical Genetics Services, Murdoch Childrens Research Institute
Classification: Pathogenic for Periventricular nodular heterotopia 9. Last evaluated: 2023-12-21. Review status: criteria provided, single submitter. Criteria: ACMG Guidelines, 2015. Collection method: clinical testing. Allele origin: germline. Inheritance: Autosomal dominant inheritance. Affected: yes.
Comment: Based on the classification scheme VCGS_Germline_v1.3.4, this variant is classified as Pathogenic. Following criteria are met: 0102 - Loss of function is a known mechanism of disease in this gene and is associated with periventricular nodular heterotopia 9 (MIM#618918). The mechanism of missense variants causing deafness, autosomal dominant 83, (MM#619808) is unclear (PMID: 33268592). (I) 0107 - This gene is associated with autosomal dominant disease. (I) 0201 - Variant is predicted to cause nonsense-mediated decay (NMD) and loss of protein (premature termination codon is located at least 54 nucleotides upstream of the final exon-exon junction). (SP) 0251 - This variant is heterozygous. (I) 0301 - Variant is absent from gnomAD (both v2 and v3). (SP) 0701 - Other NMD-predicted variants comparable to the one identified in this case have very strong previous evidence for pathogenicity. These variants have been reported as pathogenic, and observed both as de novo or inherited in individuals with periventricular nodular heterotopia (DECIPHER, PMID: 31317654). (SP) 0807 - This variant has no previous evidence of pathogenicity. (I) 0905 - No published segregation evidence has been identified for this variant. (I) 1007 - No published functional evidence has been identified for this variant. (I) 1208 - Inheritance information for this variant is not currently available in this individual. (I) Legend: (SP) - Supporting pathogenic, (I) - Information, (SB) - Supporting benign

Literature cited by the submitters: PubMed 31317654; PubMed 33268592.

NM_005909.5(MAP1B):c.3740C>A (p.Ser1247Ter)

Gene: MAP1B (microtubule associated protein 1B; plus strand). Cytogenetic location: 5q13.2.
Variant type: single nucleotide variant.
Coding change: c.3740C>A on transcript NM_005909.5 (MANE Select); coding-DNA position 3740, C replaced by A.
Protein change: p.Ser1247Ter; replaces serine 1247 with a stop codon.
Molecular consequence: nonsense.
Genome position (GRCh38, 1-based): chr5:72,197,095, C>A. VCF-style: chr5-72197095-C-A. GRCh37 (hg19) VCF-style: chr5-71492922-C-A.
Other names: c.3362C>A, p.Ser1121Ter (NM_001324255.2); short protein forms S1121*, S1247*.
Identifiers: ClinVar variation 3254681 (VCV003254681.1), dbSNP rs1310873497.